The following is an entry in ClinVar:

ClinVar aggregate classification (germline): Likely benign. Review status: criteria provided, multiple submitters, no conflicts (2 of 4 stars). 3 submissions from 3 submitters: Likely benign (2). 1 of the submissions does not count toward it. Last evaluated 2024-08-19.

Conditions:
SEPTIN9-related disorder. Also called: SEPTIN9-related condition.
Amyotrophic neuralgia (HNA). Also called: AMYOTROPHY, HEREDITARY NEURALGIC, WITH PREDILECTION FOR BRACHIAL PLEXUS; AMYOTROPHY, HEREDITARY NEURALGIC; Hereditary Brachial Plexus Neuropathy; Neuritis with Brachial Predilection. Identifiers: Orphanet 2901, MedGen C1834304, MONDO:0008076, OMIM 162100.

Allele frequency attached by ClinVar (database versions not stated): gnomAD exomes 0.00023; gnomAD 0.00025; TOPMed 0.00026; ESP Exome Variant Server 0.00029; ExAC 0.00039.
gnomAD v4.1: 386 of 1,613,324 alleles (0.024%); highest among the groups gnomAD compares: Middle Eastern, 0.099%; 2 homozygotes.

Submissions (3):

Blueprint Genetics
Classification: Likely benign. Last evaluated: 2024-08-19. Review status: criteria provided, single submitter. Criteria: ACMG Guidelines, 2015. Collection method: clinical testing. Allele origin: germline.

Dr.Nikuei Genetic Center
Classification: Likely benign for Amyotrophic neuralgia. Last evaluated: 2024-06-21. Review status: criteria provided, single submitter. Criteria: ACMG Guidelines, 2015. Collection method: clinical testing. Allele origin: germline. Affected: no.

PreventionGenetics, part of Exact Sciences
Classification: Benign for SEPTIN9-related condition. Last evaluated: 2019-07-10. Review status: no assertion criteria provided. Collection method: clinical testing. Allele origin: germline. Not counted in ClinVar's aggregate classification.
Comment: This variant is classified as benign based on ACMG/AMP sequence variant interpretation guidelines (Richards et al. 2015 PMID: 25741868, with internal and published modifications).

NM_001113491.2(SEPTIN9):c.722-6424G>C

Gene: SEPTIN9 (septin 9; plus strand). Cytogenetic location: 17q25.3.
Variant type: single nucleotide variant.
Coding change: c.722-6424G>C on transcript NM_001113491.2 (MANE Select); 6424 bases into the intron before coding-DNA position 722, G replaced by C.
Molecular consequence: intron variant. On other transcripts: 5 prime UTR variant (1).
Genome position (GRCh38, 1-based): chr17:77,475,720, G>C. VCF-style: chr17-77475720-G-C. GRCh37 (hg19) VCF-style: chr17-75471802-G-C.
Other names: c.-216G>C (NM_001113495.2); c.665-6424G>C (NM_001293695.2); c.230-6424G>C (NM_001113492.2, NM_001113494.1); c.668-6424G>C (NM_006640.5); c.701-6424G>C (NM_001113493.2); c.50-6424G>C (NM_001293696.2); c.-32-6424G>C (NM_001113496.2, NM_001293697.2, NM_001293698.2).
Identifiers: ClinVar variation 3049408 (VCV003049408.4), dbSNP rs200871334, ClinGen allele CA8793447.
Genomic context (GRCh38, chr17:77,475,720, plus strand): 5'-AAGGAGACTGCTGGGCCCACGCTGGGCCGGGGTGGATGGAGGCAAGGAAGTCTTCGCCGG[G>C]GCAAGGGCACCAGCTGTAGATGCCGGCAGCTTTCTCCTGGACACGGGCCTGGAAGGCTGA-3'